The following is an entry in ClinVar:

NM_033305.3(VPS13A):c.9276-2A>C

Gene: VPS13A (vacuolar protein sorting 13 homolog A; plus strand). Cytogenetic location: 9q21.2.
Variant type: single nucleotide variant.
Coding change: c.9276-2A>C on transcript NM_033305.3 (MANE Select); the canonical splice acceptor site of the intron before coding-DNA position 9276, A replaced by C.
Molecular consequence: splice acceptor variant.
Genome position (GRCh38, 1-based): chr9:77,405,862, A>C. VCF-style: chr9-77405862-A-C. GRCh37 (hg19) VCF-style: chr9-80020778-A-C.
Other names: c.9159-2A>C (NM_001018037.2).
Identifiers: ClinVar variation 2089807 (VCV002089807.4), dbSNP rs2538317743, ClinGen allele CA373854005.

ClinVar aggregate classification (germline): Pathogenic (1 of 4 stars; one submission).

Submission:

Labcorp Genetics (formerly Invitae), Labcorp
Classification: Pathogenic. Last evaluated: 2022-03-01. Review status: criteria provided, single submitter. Criteria: Invitae Variant Classification Sherloc (09022015). Collection method: clinical testing. Allele origin: germline.
Comment: This sequence change affects an acceptor splice site in intron 69 of the VPS13A gene. It is expected to disrupt RNA splicing. Variants that disrupt the donor or acceptor splice site typically lead to a loss of protein function (PMID: 16199547), and loss-of-function variants in VPS13A are known to be pathogenic (PMID: 12404112, 21598378). This variant is not present in population databases (gnomAD no frequency). Disruption of this splice site has been observed in individuals with autosomal recessive choreoacanthocytosis (PMID: 12404112, 28446873). Algorithms developed to predict the effect of sequence changes on RNA splicing suggest that this variant may disrupt the consensus splice site. For these reasons, this variant has been classified as Pathogenic.

Literature cited by the submitters: PubMed 16199547; PubMed 12404112; PubMed 21598378; PubMed 28446873.